The following is an entry in ClinVar:

ClinVar aggregate classification (germline): Uncertain significance (1 of 4 stars; one submission).

Conditions:
Primary ciliary dyskinesia. Also called: Ciliary dyskinesia. Identifiers: Orphanet 244, MedGen C0008780, MONDO:0016575, HP:0012265.

Allele frequency attached by ClinVar (database versions not stated): gnomAD exomes below 0.00001.
gnomAD v4.1: 1 of 1,613,948 alleles (0.000062%); highest among the groups gnomAD compares: Non-Finnish European, 0.000085%; no homozygotes.

Submission:

Labcorp Genetics (formerly Invitae), Labcorp
Classification: Uncertain significance for Primary ciliary dyskinesia. Last evaluated: 2023-08-10. Review status: criteria provided, single submitter. Criteria: Invitae Variant Classification Sherloc (09022015). Collection method: clinical testing. Allele origin: germline.
Comment: This sequence change replaces proline, which is neutral and non-polar, with serine, which is neutral and polar, at codon 4333 of the DNAH11 protein (p.Pro4333Ser). This variant is not present in population databases (gnomAD no frequency). This missense change has been observed in individual(s) with DNAH11-related conditions (Invitae). ClinVar contains an entry for this variant (Variation ID: 238896). Advanced modeling of protein sequence and biophysical properties (such as structural, functional, and spatial information, amino acid conservation, physicochemical variation, residue mobility, and thermodynamic stability) performed at Invitae indicates that this missense variant is not expected to disrupt DNAH11 protein function. In summary, the available evidence is currently insufficient to determine the role of this variant in disease. Therefore, it has been classified as a Variant of Uncertain Significance.

NM_001277115.2(DNAH11):c.12997C>T (p.Pro4333Ser)

Gene: DNAH11 (dynein axonemal heavy chain 11; plus strand). Cytogenetic location: 7p15.3.
Variant type: single nucleotide variant.
Coding change: c.12997C>T on transcript NM_001277115.2 (MANE Select); coding-DNA position 12997, C replaced by T.
Protein change: p.Pro4333Ser; replaces proline 4333 with serine.
Molecular consequence: missense variant.
Genome position (GRCh38, 1-based): chr7:21,894,947, C>T. VCF-style: chr7-21894947-C-T. GRCh37 (hg19) VCF-style: chr7-21934565-C-T.
Other names: short protein forms P4333S.
Identifiers: ClinVar variation 238896 (VCV000238896.9), dbSNP rs753970328, ClinGen allele CA10582490.
Genomic context (GRCh38, chr7:21,894,947, plus strand): 5'-GAATTGGCATTATCTCCTGCTGTGGAAGCCCAGCAGTTTGCATTGAGTTATGACACGGTA[C>T]CAGACACTTGGAGCAAACTGGCTTATCCTTCTACTTATGGCCTAGCCCAGTGGTAAGCTA-3'
Protein context (NP_001264044.1, residues 4323-4343): QQFALSYDTV[Pro4333Ser]DTWSKLAYPS